The following is an entry in ClinVar:

ClinVar aggregate classification (germline): Uncertain significance. Review status: criteria provided, multiple submitters, no conflicts (2 of 4 stars). 4 submissions from 4 submitters: Uncertain significance (4). Last evaluated 2025-08-26.

Conditions:
Hereditary cancer-predisposing syndrome. Also called: Tumor predisposition; Neoplastic Syndromes, Hereditary; Hereditary Cancer Syndrome; Hereditary neoplastic syndrome. Identifiers: Orphanet 140162, MedGen C0027672, MeSH D009386, MONDO:0015356.

Allele frequency attached by ClinVar (database versions not stated): gnomAD exomes below 0.00001.
gnomAD v4.1: 2 of 1,614,046 alleles (0.00012%); highest among the groups gnomAD compares: Middle Eastern, 0.016%; no homozygotes.

Submissions (4):

Labcorp Genetics (formerly Invitae), Labcorp
Classification: Uncertain significance. Last evaluated: 2025-08-26. Review status: criteria provided, single submitter. Criteria: Invitae Variant Classification Sherloc (09022015). Collection method: clinical testing. Allele origin: germline.
Comment: This sequence change replaces serine, which is neutral and polar, with glycine, which is neutral and non-polar, at codon 1483 of the POLE protein (p.Ser1483Gly). This variant is present in population databases (no rsID available, gnomAD 0.0009%). This variant has not been reported in the literature in individuals affected with POLE-related conditions. ClinVar contains an entry for this variant (Variation ID: 1308881). An algorithm developed to predict the effect of missense changes on protein structure and function (PolyPhen-2) suggests that this variant is likely to be tolerated. In summary, the available evidence is currently insufficient to determine the role of this variant in disease. Therefore, it has been classified as a Variant of Uncertain Significance.

Ambry Genetics
Classification: Uncertain significance for Hereditary cancer-predisposing syndrome. Last evaluated: 2025-06-06. Review status: criteria provided, single submitter. Criteria: Ambry Variant Classification Scheme 2023. Collection method: clinical testing. Allele origin: germline.
Comment: The p.S1483G variant (also known as c.4447A>G), located in coding exon 35 of the POLE gene, results from an A to G substitution at nucleotide position 4447. The serine at codon 1483 is replaced by glycine, an amino acid with similar properties. This amino acid position is conserved. In addition, the in silico prediction for this alteration is inconclusive. Since supporting evidence is limited at this time, the clinical significance of this alteration remains unclear.

Sema4
Classification: Uncertain significance for Hereditary cancer-predisposing syndrome. Last evaluated: 2021-04-29. Review status: criteria provided, single submitter. Criteria: Sema4 Curation Guidelines. Collection method: curation. Allele origin: germline.
Comment: The POLE c.4447A>G (p.S1483G) variant has not been reported in individuals with POLE-related disease to our knowledge. In silico tools suggest the impact of the variant on protein function is inconclusive, though, an analysis of driver mutations in cancer predisposition genes suggests that the effect of this variant is neutral (PMID: 31034466). This variant was observed in 1/113180 chromosomes in the Non-Finnish European population according to the Genome Aggregation Database (PMID: 32461654). The variant has not been reported in ClinVar. Based on the current evidence available, this variant is interpreted as a variant of uncertain significance.

GeneDx
Classification: Uncertain significance. Last evaluated: 2019-09-25. Review status: criteria provided, single submitter. Criteria: GeneDx Variant Classification Process June 2021. Collection method: clinical testing. Allele origin: germline. Affected: yes.
Comment: Not observed at a significant frequency in large population cohorts (Lek et al., 2016); In silico analysis, which includes protein predictors and evolutionary conservation, supports that this variant does not alter protein structure/function; Has not been previously published as a pathogenic or benign germline variant to our knowledge; This variant is associated with the following publications: (PMID: 29056344)

Literature cited by the submitters: PubMed 31034466 (cited by Sema4).

NM_006231.4(POLE):c.4447A>G (p.Ser1483Gly)

Gene: POLE (DNA polymerase epsilon, catalytic subunit; minus strand). Cytogenetic location: 12q24.33.
Variant type: single nucleotide variant.
Coding change: c.4447A>G on transcript NM_006231.4 (MANE Select); coding-DNA position 4447, A replaced by G.
Protein change: p.Ser1483Gly; replaces serine 1483 with glycine.
Molecular consequence: missense variant.
Genome position (GRCh38, 1-based): chr12:132,643,328, T>C on the plus strand (A>G on the coding strand, the complement: POLE is on the minus strand). VCF-style: chr12-132643328-T-C. GRCh37 (hg19) VCF-style: chr12-133219914-T-C.
Other names: short protein forms S1483G.
Identifiers: ClinVar variation 1308881 (VCV001308881.11), dbSNP rs1475068188, ClinGen allele CA387380822.